The following is an entry in ClinVar:

NM_004329.3(BMPR1A):c.1039A>G (p.Thr347Ala)

Gene: BMPR1A (bone morphogenetic protein receptor type 1A; plus strand). Cytogenetic location: 10q23.2.
Variant type: single nucleotide variant.
Coding change: c.1039A>G on transcript NM_004329.3 (MANE Select); coding-DNA position 1039, A replaced by G.
Protein change: p.Thr347Ala; replaces threonine 347 with alanine.
Molecular consequence: missense variant.
Genome position (GRCh38, 1-based): chr10:86,919,342, A>G. VCF-style: chr10-86919342-A-G. GRCh37 (hg19) VCF-style: chr10-88679099-A-G.
Other names: short protein forms T347A.
Identifiers: ClinVar variation 822069 (VCV000822069.14), dbSNP rs1589291709, ClinGen allele CA377460665.

ClinVar aggregate classification (germline): Uncertain significance. Review status: criteria provided, multiple submitters, no conflicts (2 of 4 stars). 2 submissions from 2 submitters: Uncertain significance (2). Last evaluated 2024-07-24.

Conditions:
Juvenile polyposis syndrome (JPS). Identifiers: Orphanet 2929, MedGen C0345893, MONDO:0017380, OMIM 174900.
Hereditary cancer-predisposing syndrome. Also called: Hereditary Cancer Syndrome; Neoplastic Syndromes, Hereditary; Hereditary neoplastic syndrome; Tumor predisposition. Identifiers: Orphanet 140162, MedGen C0027672, MeSH D009386, MONDO:0015356.

Submissions (2):

Ambry Genetics
Classification: Uncertain significance for Hereditary cancer-predisposing syndrome. Last evaluated: 2024-07-24. Review status: criteria provided, single submitter. Criteria: Ambry Variant Classification Scheme 2023. Collection method: clinical testing. Allele origin: germline.
Comment: The p.T347A variant (also known as c.1039A>G), located in coding exon 8 of the BMPR1A gene, results from an A to G substitution at nucleotide position 1039. The threonine at codon 347 is replaced by alanine, an amino acid with similar properties. This amino acid position is highly conserved in available vertebrate species. In addition, the in silico prediction for this alteration is inconclusive. Since supporting evidence is limited at this time, the clinical significance of this alteration remains unclear.

Labcorp Genetics (formerly Invitae), Labcorp
Classification: Uncertain significance for Juvenile polyposis syndrome. Last evaluated: 2022-12-29. Review status: criteria provided, single submitter. Criteria: Invitae Variant Classification Sherloc (09022015). Collection method: clinical testing. Allele origin: germline.
Comment: In summary, the available evidence is currently insufficient to determine the role of this variant in disease. Therefore, it has been classified as a Variant of Uncertain Significance. Advanced modeling of protein sequence and biophysical properties (such as structural, functional, and spatial information, amino acid conservation, physicochemical variation, residue mobility, and thermodynamic stability) performed at Invitae indicates that this missense variant is not expected to disrupt BMPR1A protein function. ClinVar contains an entry for this variant (Variation ID: 822069). This variant has not been reported in the literature in individuals affected with BMPR1A-related conditions. This variant is not present in population databases (gnomAD no frequency). This sequence change replaces threonine, which is neutral and polar, with alanine, which is neutral and non-polar, at codon 347 of the BMPR1A protein (p.Thr347Ala).